The following is an entry in ClinVar:

NM_012471.3(TRPC5):c.1014G>C (p.Gly338=)

Gene: TRPC5 (transient receptor potential cation channel subfamily C member 5; minus strand). Cytogenetic location: Xq23.
Variant type: single nucleotide variant.
Coding change: c.1014G>C on transcript NM_012471.3 (MANE Select); coding-DNA position 1014, G replaced by C.
Protein change: p.Gly338=; no amino-acid change (glycine 338 retained).
Molecular consequence: synonymous variant.
Genome position (GRCh38, 1-based): chrX:111,853,993, C>G on the plus strand (G>C on the coding strand, the complement: TRPC5 is on the minus strand). VCF-style: chrX-111853993-C-G. GRCh37 (hg19) VCF-style: chrX-111097221-C-G.
Identifiers: ClinVar variation 3048226 (VCV003048226.2), dbSNP rs2526713003, ClinGen allele CA518116148.

ClinVar aggregate classification (germline): Likely benign (0 of 4 stars; one submission).

Conditions:
TRPC5-related disorder. Also called: TRPC5-related condition.

Submission:

PreventionGenetics, part of Exact Sciences
Classification: Likely benign for TRPC5-related condition. Last evaluated: 2023-01-05. Review status: no assertion criteria provided. Collection method: clinical testing. Allele origin: germline.
Comment: This variant is classified as likely benign based on ACMG/AMP sequence variant interpretation guidelines (Richards et al. 2015 PMID: 25741868, with internal and published modifications).